The following is an entry in ClinVar:

NM_000478.6(ALPL):c.522del (p.Ser175fs)

Gene: ALPL (alkaline phosphatase, biomineralization associated; plus strand). Cytogenetic location: 1p36.12.
Variant type: Deletion.
Coding change: c.522del on transcript NM_000478.6 (MANE Select); coding-DNA position 522, one base deleted (C; older notation c.522delC).
Protein change: p.Ser175fs; shifts the reading frame from serine 175.
Molecular consequence: frameshift variant.
Genome position (GRCh38, 1-based): chr1:21,564,090, C deleted; the last of 5 consecutive C bases (chr1:21,564,086-21,564,090); deleting any one gives the same sequence. VCF-style (leftmost placement, unchanged base first): chr1-21564085-AC-A. GRCh37 (hg19) VCF-style: chr1-21890578-AC-A.
Other names: c.357del, p.Ser120fs (NM_001127501.4); c.291del, p.Ser98fs (NM_001177520.3); c.522del, p.Ser175fs (NM_001369803.2, NM_001369804.2, NM_001369805.2); c.522delC (NM_000478.4, NM_000478.5, NM_000478.6); short protein forms S120fs, S175fs, S98fs.
Identifiers: ClinVar variation 371067 (VCV000371067.24), dbSNP rs750174638, ClinGen allele CA666519.

ClinVar aggregate classification (germline): Pathogenic/Likely pathogenic. Review status: criteria provided, multiple submitters, no conflicts (2 of 4 stars). 8 submissions from 8 submitters: Pathogenic (3); Likely pathogenic (4). 1 of the submissions does not count toward it. Last evaluated 2025-11-03.

Conditions:
Hypophosphatasia. Also called: Phosphoethanol-aminuria. Identifiers: Orphanet 436, MedGen C0020630, MeSH D007014, MONDO:0018570.
Infantile hypophosphatasia. Identifiers: Orphanet 247651, Orphanet 436, MedGen C0268412, MONDO:1010169, OMIM 241500, MONDO:0009427.
Adult hypophosphatasia. Identifiers: Orphanet 247676, Orphanet 436, MedGen C0268413, MONDO:1010154, OMIM 146300, MONDO:0007798.
Childhood hypophosphatasia. Identifiers: Orphanet 247667, Orphanet 436, MedGen C0220743, MONDO:1010168, OMIM 241510, MONDO:0009428.

Submissions (8):

Natera, Inc.
Classification: Likely pathogenic for Hypophosphatasia. Last evaluated: 2025-11-03. Review status: criteria provided, single submitter. Criteria: Natera Variant Classification Schema (03/2026). Collection method: clinical testing. Allele origin: germline.
Comment: The c.522del variant in ALPL is a frameshift variant predicted to shift the reading frame beginning at codon 175 and leads to a stop codon 23 codons downstream. This variant is expected to result in nonsense mediated decay, truncation, or a dysfunctional protein product. This variant is rare in the general population with a frequency below the threshold expected for the associated phenotype(s). Given the available evidence, this variant is classified as Likely Pathogenic.

Women's Health and Genetics/Laboratory Corporation of America, LabCorp
Classification: Pathogenic for Adult hypophosphatasia. Last evaluated: 2025-10-03. Review status: criteria provided, single submitter. Criteria: LabCorp Variant Classification Summary - May 2015. Collection method: clinical testing. Allele origin: germline.
Comment: Variant summary: ALPL c.522delC (p.Ser175AlafsX23) results in a premature termination codon, predicted to cause a truncation of the encoded protein or absence of the protein due to nonsense mediated decay, which are commonly known mechanisms for disease. The variant allele was found at a frequency of 1.6e-05 in 251012 control chromosomes. c.522delC has been observed in individual(s) affected with hypophosphatasia (e.g. MacCarrick_2024). To our knowledge, no experimental evidence demonstrating an impact on protein function has been reported. The following publication have been ascertained in the context of this evaluation (PMID: 38702915). ClinVar contains an entry for this variant (Variation ID: 371067). Based on the evidence outlined above, the variant was classified as pathogenic for autosomal dominant hypophosphatasia and autosomal recessive hypophosphatasia.

Labcorp Genetics (formerly Invitae), Labcorp
Classification: Pathogenic. Last evaluated: 2025-07-30. Review status: criteria provided, single submitter. Criteria: Invitae Variant Classification Sherloc (09022015). Collection method: clinical testing. Allele origin: germline.
Comment: This sequence change creates a premature translational stop signal (p.Ser175Alafs*23) in the ALPL gene. It is expected to result in an absent or disrupted protein product. Loss-of-function variants in ALPL are known to be pathogenic (PMID: 3174660, 10679946, 32973344, 33814268). This variant is present in population databases (rs750174638, gnomAD 0.009%). This variant has not been reported in the literature in individuals affected with ALPL-related conditions. ClinVar contains an entry for this variant (Variation ID: 371067). For these reasons, this variant has been classified as Pathogenic.

Baylor Genetics
Classification: Likely pathogenic for Adult hypophosphatasia. Last evaluated: 2024-02-28. Review status: criteria provided, single submitter. Criteria: ACMG Guidelines, 2015. Collection method: clinical testing. Allele origin: unknown.

Fulgent Genetics
Classification: Likely pathogenic for Adult hypophosphatasia; Infantile hypophosphatasia; Childhood hypophosphatasia. Last evaluated: 2024-01-19. Review status: criteria provided, single submitter. Criteria: ACMG Guidelines, 2015. Collection method: clinical testing. Allele origin: germline.

Revvity Omics, Revvity
Classification: Pathogenic. Last evaluated: 2020-03-06. Review status: criteria provided, single submitter. Criteria: ACMG Guidelines, 2015. Collection method: clinical testing. Allele origin: germline.

Athena Diagnostics
Classification: Likely pathogenic. Last evaluated: 2017-12-21. Review status: criteria provided, single submitter. Criteria: Athena Diagnostics Criteria. Collection method: clinical testing. Allele origin: germline.

Counsyl
Classification: Likely pathogenic for Infantile hypophosphatasia. Last evaluated: 2016-06-21. Review status: no assertion criteria provided. Collection method: clinical testing. Allele origin: unknown. Not counted in ClinVar's aggregate classification.

Literature cited by the submitters: PubMed 38702915 (cited by Women's Health and Genetics/Laboratory Corporation of America, LabCorp); PubMed 3174660 (cited by Labcorp Genetics (formerly Invitae), Labcorp); PubMed 10679946 (cited by Labcorp Genetics (formerly Invitae), Labcorp); PubMed 32973344 (cited by Labcorp Genetics (formerly Invitae), Labcorp); PubMed 33814268 (cited by Labcorp Genetics (formerly Invitae), Labcorp).